The following is an entry in ClinVar:

NM_004960.4(FUS):c.*59G>A

Gene: FUS (FUS RNA binding protein; plus strand). Cytogenetic location: 16p11.2.
Variant type: single nucleotide variant.
Coding change: c.*59G>A on transcript NM_004960.4 (MANE Select); 59 bases downstream of the stop codon, G replaced by A.
Molecular consequence: 3 prime UTR variant. On other transcripts: non-coding transcript variant (1).
Genome position (GRCh38, 1-based): chr16:31,191,497, G>A. VCF-style: chr16-31191497-G-A. GRCh37 (hg19) VCF-style: chr16-31202818-G-A.
Other names: c.*59G>A (NM_004960.3, NM_001170634.1, NM_001170937.1).
Identifiers: ClinVar variation 1315606 (VCV001315606.4), dbSNP rs959552367, ClinGen allele CA280602102.
Genomic context (GRCh38, chr16:31,191,497, plus strand): 5'-AATTAGCCTGGCTCCCCAGGTTCTGGAACAGCTTTTTGTCCTGTACCCAGTGTTACCCTC[G>A]TTATTTTGTAACCTTCCAATTCCTGATCACCCAAGGGTTTTTTTGTGTCGGACTATGTAA-3'

ClinVar aggregate classification (germline): Uncertain significance. Review status: criteria provided, multiple submitters, no conflicts (2 of 4 stars). 2 submissions from 2 submitters: Uncertain significance (2). Last evaluated 2025-02-26.

Conditions:
FUS-related disorder. Also called: FUS-related condition.

Allele frequency attached by ClinVar (database versions not stated): gnomAD 0.00003.
gnomAD v4.1: 22 of 1,577,536 alleles (0.0014%); highest among the groups gnomAD compares: Admixed American, 0.0017%; no homozygotes.

Submissions (2):

PreventionGenetics, part of Exact Sciences
Classification: Uncertain significance for FUS-related condition. Last evaluated: 2025-02-26. Review status: criteria provided, single submitter. Criteria: ACMG Guidelines, 2015. Collection method: clinical testing. Allele origin: germline.
Comment: The FUS c.*59G>A variant is located in the 3' untranslated region. This variant was reported in three unrelated individuals with amyotrophic lateral sclerosis (ALS), one of them also had a pathogenic variant in TBK1 and one had an uncertain variant in DCTN1 (Sabatelli et al. 2013. PubMed ID: 23847048; Lattante et al. 2019. PubMed ID: 31000212; Internal Data, PreventionGenetics). A report of two other families that carried both FUS and TBK1 variants showed that affected individuals within the family who carried both variants had ALS, whereas individuals within the family who only had the FUS or the TBK1 variant showed either ALS or frontotemporal dementia, respectively (Brenner et al. 2022. PubMed ID: 34518945). Other nucleotide substitutions in the 3’ UTR such as c.*48G>A, c.*108C>T, c.*110G>A have been reported in individuals with ALS (Sabatelli et al. 2013. PubMed ID: 23847048). In general, functional studies in patient derived fibroblast cells showed the 3’ UTR variants increased expression and mislocalization of the FUS protein (Sabatelli et al. 2013. PubMed ID: 23847048; Morgan et al. 2017. PubMed ID: 28430856). This variant is reported in 0.00078% of alleles in individuals of European (non-Finnish) descent in gnomAD. Although we suspect this variant is pathogenic, at this time, the clinical significance of this variant is uncertain due to the absence of conclusive functional and genetic evidence.

GeneDx
Classification: Uncertain significance. Last evaluated: 2019-05-24. Review status: criteria provided, single submitter. Criteria: GeneDx Variant Classification Process June 2021. Collection method: clinical testing. Allele origin: germline. Affected: yes.
Comment: Published functional studies showed a significantly increased FUS expression in the cytoplasm and nuclei in primary fibroblasts, suggesting a damaging effect (Sabatelli et al., 2013); Nucleotide substitution has no predicted effect on splicing and is not conserved across species; Not observed at a significant frequency in large population cohorts (Lek et al., 2016); This variant is associated with the following publications: (PMID: 23847048, 31000212)